The following is an entry in ClinVar:

NM_001106.4(ACVR2B):c.1344+7G>T

Gene: ACVR2B (activin A receptor type 2B; plus strand). Cytogenetic location: 3p22.2.
Variant type: single nucleotide variant.
Coding change: c.1344+7G>T on transcript NM_001106.4 (MANE Select); 7 bases into the intron after coding-DNA position 1344, G replaced by T.
Molecular consequence: intron variant.
Genome position (GRCh38, 1-based): chr3:38,482,567, G>T. VCF-style: chr3-38482567-G-T. GRCh37 (hg19) VCF-style: chr3-38524058-G-T.
Identifiers: ClinVar variation 136291 (VCV000136291.18), dbSNP rs9876823, ClinGen allele CA289292.
Genomic context (GRCh38, chr3:38,482,567, plus strand): 5'-GTGGTGCACAAGAAGATGAGGCCCACCATTAAAGATCACTGGTTGAAACACCCGGTAAGG[G>T]GCCTGGTTCAGGCAACTTTGCAGGGGGGTGGAGAAGGGAAAACCCTTCATGTGTAGCAGG-3'

ClinVar aggregate classification (germline): Benign. Review status: criteria provided, multiple submitters, no conflicts (2 of 4 stars). 7 submissions from 7 submitters: Benign (7). Last evaluated 2026-02-01.

Conditions:
Heterotaxy, visceral, 4, autosomal (HTX4). Identifiers: Orphanet 450, MedGen C3151057, MONDO:0013403, OMIM 613751.

Allele frequency attached by ClinVar (database versions not stated): gnomAD exomes 0.00127 and 0.00334; ExAC 0.00477; gnomAD 0.01328 and 0.01406; TOPMed 0.01442; ESP Exome Variant Server 0.01445; 1000 Genomes Project 0.01737; 1000 Genomes Project 30x 0.01921.
gnomAD v4.1: 3,966 of 1,609,006 alleles (0.25%); highest among the groups gnomAD compares: African/African-American, 4.5%; 84 homozygotes.

Submissions (13):

Labcorp Genetics (formerly Invitae), Labcorp
Classification: Benign for Heterotaxy, visceral, 4, autosomal. Last evaluated: 2026-02-01. Review status: criteria provided, single submitter. Criteria: Invitae Variant Classification Sherloc (09022015). Collection method: clinical testing. Allele origin: germline.

Illumina Laboratory Services, Illumina
Classification: Benign for Heterotaxy, visceral, 4, autosomal. Last evaluated: 2018-01-13. Review status: criteria provided, single submitter. Criteria: ICSL Variant Classification Criteria 13 December 2019. Collection method: clinical testing. Allele origin: germline.
Comment: This variant was observed in the ICSL laboratory as part of a predisposition screen in an ostensibly healthy population. It had not been previously curated by ICSL or reported in the Human Gene Mutation Database (HGMD: prior to June 1st, 2018), and was therefore a candidate for classification through an automated scoring system. Utilizing variant allele frequency, disease prevalence and penetrance estimates, and inheritance mode, an automated score was calculated to assess if this variant is too frequent to cause the disease. Based on the score and internal cut-off values, a variant classified as benign is not then subjected to further curation. The score for this variant resulted in a classification of benign for this disease.

Clinical Genetics DNA and cytogenetics Diagnostics Lab, Erasmus MC, Erasmus Medical Center
Classification: Benign for Heterotaxy, visceral, 4, autosomal. Last evaluated: 2015-09-21. Review status: criteria provided, single submitter. Criteria: ACGS Guidelines, 2013. Collection method: clinical testing. Allele origin: germline. Affected: yes. Study: VKGL Data-share Consensus.

Genome Diagnostics Laboratory, University Medical Center Utrecht
Classification: Benign for Heterotaxy, visceral, 4, autosomal. Last evaluated: 2014-10-09. Review status: criteria provided, single submitter. Criteria: ACGS Guidelines, 2013. Collection method: clinical testing. Allele origin: germline. Affected: yes. Study: VKGL Data-share Consensus.

GeneDx
Classification: Benign. Last evaluated: 2013-09-24. Review status: criteria provided, single submitter. Criteria: GeneDx Variant Classification (06012015). Collection method: clinical testing. Allele origin: germline. Affected: yes.
Comment: This variant is considered likely benign or benign based on one or more of the following criteria: it is a conservative change, it occurs at a poorly conserved position in the protein, it is predicted to be benign by multiple in silico algorithms, and/or has population frequency not consistent with disease.

Breakthrough Genomics
Classification: Benign. Review status: criteria provided, single submitter. Criteria: ACMG Guidelines, 2015. Collection method: not provided. Allele origin: germline. Inheritance: Unknown mechanism. Affected: yes.

PreventionGenetics, part of Exact Sciences
Classification: Benign. Review status: criteria provided, single submitter. Criteria: ACMG Guidelines, 2015. Collection method: clinical testing. Allele origin: germline.

Dr. Peter K. Rogan Lab, Western University
No classification provided (evidence only). Condition: Uterine corpus endometrial carcinoma. Review status: no classification provided. Collection method: in vitro. Allele origin: not applicable. Functional consequence: retained intron. Not counted in ClinVar's aggregate classification.

Dr. Peter K. Rogan Lab, Western University
No classification provided (evidence only). Condition: Sarcoma. Review status: no classification provided. Collection method: in vitro. Allele origin: not applicable. Functional consequence: retained intron. Not counted in ClinVar's aggregate classification.

Dr. Peter K. Rogan Lab, Western University
No classification provided (evidence only). Condition: Sarcoma. Review status: no classification provided. Collection method: in vitro. Allele origin: not applicable. Functional consequence: retained intron. Not counted in ClinVar's aggregate classification.

Dr. Peter K. Rogan Lab, Western University
No classification provided (evidence only). Condition: Sarcoma. Review status: no classification provided. Collection method: in vitro. Allele origin: not applicable. Functional consequence: retained intron. Not counted in ClinVar's aggregate classification.

Dr. Peter K. Rogan Lab, Western University
No classification provided (evidence only). Condition: Thymoma. Review status: no classification provided. Collection method: in vitro. Allele origin: not applicable. Functional consequence: retained intron. Not counted in ClinVar's aggregate classification.

Dr. Peter K. Rogan Lab, Western University
No classification provided (evidence only). Condition: Ovarian serous cystadenocarcinoma. Review status: no classification provided. Collection method: in vitro. Allele origin: not applicable. Functional consequence: retained intron. Not counted in ClinVar's aggregate classification.